The following is an entry in ClinVar:

NM_001177701.3(IFT27):c.261C>G (p.Leu87=)

Genes: CACNG2-DT (CACNG2 divergent transcript; plus strand), IFT27 (intraflagellar transport 27; minus strand). Cytogenetic location: 22q12.3.
Variant type: single nucleotide variant.
Coding change: c.261C>G on transcript NM_001177701.3 (MANE Select); coding-DNA position 261, C replaced by G.
Protein change: p.Leu87=; no amino-acid change (leucine 87 retained).
Molecular consequence: synonymous variant.
Genome position (GRCh38, 1-based): chr22:36,764,010, G>C on the plus strand (C>G on the coding strand, the complement: IFT27 is on the minus strand). VCF-style: chr22-36764010-G-C. GRCh37 (hg19) VCF-style: chr22-37160054-G-C.
Other names: c.261C>G, p.Leu87= (NM_001363003.2); c.258C>G, p.Leu86= (NM_006860.5).
Identifiers: ClinVar variation 3354880 (VCV003354880.1).

ClinVar aggregate classification (germline): Likely benign (0 of 4 stars; one submission).

Conditions:
IFT27-related disorder. Also called: IFT27-related condition.

gnomAD v4.1: 4 of 1,613,944 alleles (0.00025%); highest among the groups gnomAD compares: Admixed American, 0.0033%; no homozygotes.

Submission:

PreventionGenetics, part of Exact Sciences
Classification: Likely benign for IFT27-related condition. Last evaluated: 2023-11-29. Review status: no assertion criteria provided. Collection method: clinical testing. Allele origin: germline.
Comment: This variant is classified as likely benign based on ACMG/AMP sequence variant interpretation guidelines (Richards et al. 2015 PMID: 25741868, with internal and published modifications).